The following is an entry in ClinVar:

ClinVar aggregate classification (germline): Uncertain significance. Review status: criteria provided, multiple submitters, no conflicts (2 of 4 stars). 4 submissions from 4 submitters: Uncertain significance (4). Last evaluated 2025-01-17.

Conditions:
Inborn genetic diseases. Identifiers: MedGen C0950123, MeSH D030342.
Geroderma osteodysplastica (GO). Also called: WALT DISNEY DWARFISM; Geroderma osteodysplasticum. Identifiers: Orphanet 2078, MedGen C0432255, MONDO:0009271, OMIM 231070.

Allele frequency attached by ClinVar (database versions not stated): ExAC 0.00002; gnomAD exomes 0.00003 and 0.00007; TOPMed 0.00004; gnomAD 0.00005.
gnomAD v4.1: 116 of 1,613,542 alleles (0.0072%); highest among the groups gnomAD compares: Admixed American, 0.0083%; no homozygotes.

Submissions (4):

Ambry Genetics
Classification: Uncertain significance for Inborn genetic diseases. Last evaluated: 2025-01-17. Review status: criteria provided, single submitter. Criteria: Ambry Variant Classification Scheme 2023. Collection method: clinical testing. Allele origin: germline.

Genome-Nilou Lab
Classification: Uncertain significance for Geroderma osteodysplastica. Last evaluated: 2023-04-11. Review status: criteria provided, single submitter. Criteria: ACMG Guidelines, 2015. Collection method: clinical testing. Allele origin: germline. Affected: no.

Labcorp Genetics (formerly Invitae), Labcorp
Classification: Uncertain significance. Last evaluated: 2022-07-20. Review status: criteria provided, single submitter. Criteria: Invitae Variant Classification Sherloc (09022015). Collection method: clinical testing. Allele origin: germline.
Comment: This sequence change replaces arginine, which is basic and polar, with glutamine, which is neutral and polar, at codon 179 of the GORAB protein (p.Arg179Gln). This variant is present in population databases (rs749838967, gnomAD 0.01%). This variant has not been reported in the literature in individuals affected with GORAB-related conditions. ClinVar contains an entry for this variant (Variation ID: 293655). Algorithms developed to predict the effect of missense changes on protein structure and function are either unavailable or do not agree on the potential impact of this missense change (SIFT: "Deleterious"; PolyPhen-2: "Probably Damaging"; Align-GVGD: "Class C0"). In summary, the available evidence is currently insufficient to determine the role of this variant in disease. Therefore, it has been classified as a Variant of Uncertain Significance.

Illumina Laboratory Services, Illumina
Classification: Uncertain significance for Geroderma osteodysplastica. Last evaluated: 2018-01-12. Review status: criteria provided, single submitter. Criteria: ICSL Variant Classification Criteria 13 December 2019. Collection method: clinical testing. Allele origin: germline.

NM_152281.3(GORAB):c.461G>A (p.Arg154Gln)

Gene: GORAB (golgin, RAB6 interacting; plus strand). Cytogenetic location: 1q24.2.
Variant type: single nucleotide variant.
Coding change: c.461G>A on transcript NM_152281.3 (MANE Select); coding-DNA position 461, G replaced by A.
Protein change: p.Arg154Gln; replaces arginine 154 with glutamine.
Molecular consequence: missense variant. On other transcripts: 5 prime UTR variant (1), non-coding transcript variant (1).
Genome position (GRCh38, 1-based): chr1:170,542,532, G>A. VCF-style: chr1-170542532-G-A. GRCh37 (hg19) VCF-style: chr1-170511673-G-A.
Other names: c.461G>A, p.Arg154Gln (NM_001146039.2); c.-5G>A (NM_001320252.2); short protein forms R179Q, R154Q.
Identifiers: ClinVar variation 293655 (VCV000293655.9), dbSNP rs749838967, ClinGen allele CA1239134.
Genomic context (GRCh38, chr1:170,542,532, plus strand): 5'-TGCTTTTTTTGCCCCCTAGGCAAGAAAAATCTCGTTGGGAAGTCCTCCAACAAGAACAAC[G>A]GCTAATGGAAGAGAAAAATAAACGTAAAAAAGCTCTTTTGGCTAAAGCTATTGCAGAAAG-3'
Protein context (NP_689494.3, residues 144-164): SRWEVLQQEQ[Arg154Gln]LMEEKNKRKK